The following is an entry in ClinVar:

NM_000138.5(FBN1):c.4280A>G (p.Tyr1427Cys)

Genes: FBN1 (fibrillin 1; minus strand), LOC126862124 (CDK7 strongly-dependent group 2 enhancer GRCh37_chr15:48764566-48765765; plus strand). Cytogenetic location: 15q21.1.
Variant type: single nucleotide variant.
Coding change: c.4280A>G on transcript NM_000138.5 (MANE Select); coding-DNA position 4280, A replaced by G.
Protein change: p.Tyr1427Cys; replaces tyrosine 1427 with cysteine.
Molecular consequence: missense variant.
Genome position (GRCh38, 1-based): chr15:48,472,607, T>C on the plus strand (A>G on the coding strand, the complement: FBN1 is on the minus strand). VCF-style: chr15-48472607-T-C. GRCh37 (hg19) VCF-style: chr15-48764804-T-C.
Other names: NM_000138.5(FBN1):c.4280A>G; p.Tyr1427Cys; short protein forms Y1427C.
Identifiers: ClinVar variation 449440 (VCV000449440.11), dbSNP rs1555397548, ClinGen allele CA392317779.

ClinVar aggregate classification (germline): Likely pathogenic. Review status: reviewed by expert panel (3 of 4 stars). 4 submissions from 4 submitters: Likely pathogenic (1). 3 of the submissions do not count toward it. Last evaluated 2023-12-29.

Conditions:
Marfan syndrome (MFS). Also called: MARFAN SYNDROME, TYPE I; FBN1-Related Marfan Syndrome; Marfan syndrome type 1; Marfan's syndrome; Marfan syndrome, classic. Identifiers: Orphanet 284963, Orphanet 558, MedGen C0024796, MONDO:0007947, OMIM 154700.
Familial thoracic aortic aneurysm and aortic dissection (TAAD). Also called: Thoracic aortic aneurysms and dissections. Identifiers: Orphanet 91387, MedGen C4707243, MONDO:0019625.

Allele frequency attached by ClinVar (database versions not stated): gnomAD exomes below 0.00001.
gnomAD v4.1: 1 of 1,614,182 alleles (0.000062%); highest among the groups gnomAD compares: African/African-American, 0.0013%; no homozygotes.

Submissions (4):

ClinGen FBN1 Variant Curation Expert Panel, ClinGen
Classification: Likely pathogenic for Marfan syndrome. Last evaluated: 2023-12-29. Review status: reviewed by expert panel. Criteria: Assertion Criteria VCEP FBN1 Version 1. Collection method: curation. Allele origin: germline. Inheritance: Autosomal dominant inheritance.
Comment: NM_000138.5 c.4280A>G is a missense variant in FBN1 predicted to cause a substitution of a tyrosine by cysteine at amino acid 1427 (p.Tyr1427Cys). This variant has been identified in the literature in an individual with either a suspicion or diagnosis of Marfan syndrome, and by a commercial laboratory in two unrelated individuals with thoracic aortic aneurysm and dissection (TAAD), segregating with TAAD in one similarly affected family member (PS4_supporting; PMID: 21907952, Invitae internal data). It was also identified by a commercial laboratory in an individual with Marfan syndrome including ectopia lentis and a systemic score of 8 (PP4; GeneDx internal data). It is absent from gnomAD (PM2_supporting; v2.1.1 & 3.1.2). This variant introduces a novel cysteine residue which may impede the normal formation of essential disulfide bridges and occurs at a residue in a critical calcium-binding site within a calcium-binding EGF-like domain (PM1). Computational prediction tools and conservation analysis support that this variant is likely to impact the protein (PP3; REVEL = 0.939). Another variant affecting the same residue (p.Tyr1427Asp) is classified as likely pathogenic, further supporting the functional importance of this amino acid position (PM5; PMID: 17657824). The constraint z-score for missense variants affecting FBN1 is 5.06 (PP2). In summary, this variant meets criteria to be classified as likely pathogenic for Marfan syndrome based on the ACMG/AMP criteria applied, as specified by the ClinGen FBN1 VCEP: PM1, PM5, PS4_supporting, PP2, PP3, PP4, PM2_supporting.

Ambry Genetics
Classification: Likely pathogenic for Familial thoracic aortic aneurysm and aortic dissection. Last evaluated: 2026-01-21. Review status: criteria provided, single submitter. Criteria: Ambry Variant Classification Scheme 2023. Collection method: clinical testing. Allele origin: germline. Not counted in ClinVar's aggregate classification.
Comment: The p.Y1427C variant (also known as c.4280A>G), located in coding exon 34 of the FBN1 gene, results from an A to G substitution at nucleotide position 4280. The tyrosine at codon 1427 is replaced by cysteine, an amino acid with highly dissimilar properties. The majority of FBN1 mutations identified to date have involved the substitution or generation of cysteine residues within cbEGF domains (Vollbrandt T et al. J Biol Chem. 2004;279(31):32924-32931). This variant was reported in individual(s) with features consistent with Marfan syndrome (Ogawa N et al. Am J Cardiol, 2011 Dec;108:1801-7; external communication; Ambry internal data). This amino acid position is well conserved in available vertebrate species. In addition, this alteration is predicted to be deleterious by in silico analysis. This variant is considered to be rare based on population cohorts in the Genome Aggregation Database (gnomAD). Based on the majority of available evidence to date, this variant is likely to be pathogenic.

Labcorp Genetics (formerly Invitae), Labcorp
Classification: Likely pathogenic for Marfan syndrome; Familial thoracic aortic aneurysm and aortic dissection. Last evaluated: 2023-09-10. Review status: criteria provided, single submitter. Criteria: Invitae Variant Classification Sherloc (09022015). Collection method: clinical testing. Allele origin: germline. Not counted in ClinVar's aggregate classification.
Comment: In summary, the currently available evidence indicates that the variant is pathogenic, but additional data are needed to prove that conclusively. Therefore, this variant has been classified as Likely Pathogenic. This variant disrupts the p.Tyr1427 amino acid residue in FBN1. Other variant(s) that disrupt this residue have been observed in individuals with FBN1-related conditions (PMID: 17657824), which suggests that this may be a clinically significant amino acid residue. Advanced modeling of protein sequence and biophysical properties (such as structural, functional, and spatial information, amino acid conservation, physicochemical variation, residue mobility, and thermodynamic stability) performed at Invitae indicates that this missense variant is expected to disrupt FBN1 protein function. ClinVar contains an entry for this variant (Variation ID: 449440). This missense change has been observed in individuals with clinical features of FBN1-related conditions (PMID: 21907952; Invitae; external communication). This variant is not present in population databases (gnomAD no frequency). This sequence change replaces tyrosine, which is neutral and polar, with cysteine, which is neutral and slightly polar, at codon 1427 of the FBN1 protein (p.Tyr1427Cys).

GeneDx
Classification: Likely pathogenic. Last evaluated: 2018-02-21. Review status: criteria provided, single submitter. Criteria: GeneDx Variant Classification (06012015). Collection method: clinical testing. Allele origin: germline. Affected: yes. Not counted in ClinVar's aggregate classification.
Comment: The Y1427C likely pathogenic variant in the FBN1 gene has been previously reported in a cohort of Japanese probands with suspected or confirmed Marfan syndrome; however, specific clinical details were not provided (Ogawa et al., 2011). Y1427C is not observed in large population cohorts (Lek et al., 2016; 1000 Genomes Consortium et al., 2015; Exome Variant Server). The Y1427C variant is a non-conservative amino acid substitution, which is likely to impact secondary protein structure as these residues differ in polarity, charge, size and/or other properties. Moreover, this substitution occurs at a position that is conserved in mammals, and in silico analysis predicts this variant is probably damaging to the protein structure/function. The Y1427C variant introduces a new cysteine residue within a calcium-binding EGF-like domain of the FBN1 gene, which may affect disulfide bonding and is predicted to alter the structure and function of the protein. Cysteine substitutions in the calcium-binding EGF-like domains represent the majority of pathogenic missense changes associated with FBN1-related disorders (Collod-Beroud et al., 2003). Finally, a missense variant in the same residue (Y1427D), as well as multiple missense variants in nearby residues (P1424S, C1429S, C1429Y, C1431R, C1431Y, C1431W), have been reported in the Human Gene Mutation Database in association with Marfan syndrome (Stenson et al., 2014), yet the pathogenicity of each of these variants has not been definitively determined.

Literature cited by the submitters: PubMed 21907952 (cited by Ambry Genetics and Labcorp Genetics (formerly Invitae), Labcorp); PubMed 34916231 (cited by Ambry Genetics); PubMed 17657824 (cited by Labcorp Genetics (formerly Invitae), Labcorp).